The following is an entry in ClinVar:

ClinVar aggregate classification (germline): Uncertain significance (1 of 4 stars; one submission).

Conditions:
Bardet-Biedl syndrome (BBS). Identifiers: Orphanet 110, MedGen C0752166, MONDO:0015229.

Submission:

Labcorp Genetics (formerly Invitae), Labcorp
Classification: Uncertain significance for Bardet-Biedl syndrome. Last evaluated: 2023-03-23. Review status: criteria provided, single submitter. Criteria: Invitae Variant Classification Sherloc (09022015). Collection method: clinical testing. Allele origin: germline.
Comment: In summary, the available evidence is currently insufficient to determine the role of this variant in disease. Therefore, it has been classified as a Variant of Uncertain Significance. This sequence change falls in intron 3 of the BBS2 gene. It does not directly change the encoded amino acid sequence of the BBS2 protein. It affects a nucleotide within the consensus splice site. Information on the frequency of this variant in the gnomAD database is not available, as this variant may be reported differently in the database. This variant has not been reported in the literature in individuals affected with BBS2-related conditions. ClinVar contains an entry for this variant (Variation ID: 566578). Variants that disrupt the consensus splice site are a relatively common cause of aberrant splicing (PMID: 17576681, 9536098).

Literature cited by the submitters: PubMed 17576681; PubMed 9536098.

NM_031885.5(BBS2):c.471+3_471+4delinsCA

Gene: BBS2 (Bardet-Biedl syndrome 2; minus strand). Cytogenetic location: 16q13.
Variant type: Indel.
Coding change: c.471+3_471+4delinsCA on transcript NM_031885.5 (MANE Select); bases 3 to 4 of the intron after coding-DNA position 471, AT replaced by CA.
Molecular consequence: intron variant.
Genome position (GRCh38, 1-based): chr16:56,511,155-56,511,156, AT replaced by TG on the plus strand (AT replaced by CA on the coding strand, the reverse complement: BBS2 is on the minus strand). VCF-style: chr16-56511155-AT-TG. GRCh37 (hg19) VCF-style: chr16-56545067-AT-TG.
Other names: c.471+3_471+4delinsCA (NM_031885.3, NM_001377456.1).
Identifiers: ClinVar variation 566578 (VCV000566578.9), dbSNP rs1567582876, ClinGen allele CA891844539.